The following is an entry in ClinVar:

ClinVar aggregate classification (germline): Pathogenic. Review status: reviewed by expert panel (3 of 4 stars). 5 submissions from 5 submitters: Pathogenic (1). 4 of the submissions do not count toward it. Last evaluated 2016-09-08.

Conditions:
Gastric cancer. Also called: Malignant tumor of stomach; Stomach cancer. Identifiers: MedGen C0024623, MeSH D013274, MONDO:0001056, OMIM 613659, HP:0012126.
Hereditary cancer-predisposing syndrome. Also called: Tumor predisposition; Hereditary neoplastic syndrome; Hereditary Cancer Syndrome; Neoplastic Syndromes, Hereditary. Identifiers: Orphanet 140162, MedGen C0027672, MeSH D009386, MONDO:0015356.
Hereditary breast ovarian cancer syndrome. Also called: Hereditary breast and/or ovarian cancer syndrome; Breast and ovarian cancer; Hereditary breast and ovarian cancer syndrome; Hereditary breast and ovarian cancer; Hereditary breast and ovarian cancer syndrome (HBOC); BRCA1- and BRCA2-Associated Hereditary Breast and Ovarian Cancer. Identifiers: Orphanet 145, MedGen C0677776, MeSH D061325, MONDO:0003582. Disease mechanism: loss of function.
Breast-ovarian cancer, familial, susceptibility to, 1 (BROVCA1). Also called: BRCA1 Hereditary Breast and Ovarian Cancer; OVARIAN CANCER, SUSCEPTIBILITY TO. Identifiers: Orphanet 145, MedGen C2676676, MONDO:0011450, OMIM 604370. Disease mechanism: loss of function.

Submissions (5):

Evidence-based Network for the Interpretation of Germline Mutant Alleles (ENIGMA)
Classification: Pathogenic for Breast-ovarian cancer, familial, susceptibility to, 1. Last evaluated: 2016-09-08. Review status: reviewed by expert panel. Criteria: ENIGMA BRCA1/2 Classification Criteria (2015). Collection method: curation. Allele origin: germline.
Comment: Variant allele predicted to encode a truncated non-functional protein.

Ambry Genetics
Classification: Pathogenic for Hereditary cancer-predisposing syndrome. Last evaluated: 2021-11-23. Review status: criteria provided, single submitter. Criteria: Ambry Variant Classification Scheme 2023. Collection method: clinical testing. Allele origin: germline. Not counted in ClinVar's aggregate classification.
Comment: The c.456_457delCA pathogenic mutation, located in coding exon 6 of the BRCA1 gene, results from a deletion of two nucleotides at nucleotide positions 456 to 457, causing a translational frameshift with a predicted alternate stop codon (p.S153Cfs*5). This mutation has been identified in multiple Japanese breast and/or ovarian cancer cohorts (Nakamura S et al. Breast Cancer, 2015 Sep;22:462-8; Hirasawa A et al. Oncotarget, 2017 Dec;8:112258-112267; Momozawa Y et al. Nat Commun, 2018 10;9:408). In addition to the clinical data presented in the literature, this alteration is expected to result in loss of function by premature protein truncation or nonsense-mediated mRNA decay. As such, this alteration is interpreted as a disease-causing mutation.

Labcorp Genetics (formerly Invitae), Labcorp
Classification: Pathogenic for Hereditary breast ovarian cancer syndrome. Last evaluated: 2016-04-09. Review status: criteria provided, single submitter. Criteria: Invitae Variant Classification Sherloc (09022015). Collection method: clinical testing. Allele origin: germline. Not counted in ClinVar's aggregate classification.
Comment: For these reasons, this variant has been classified as Pathogenic. Truncating variants in BRCA1 are known to be pathogenic. This particular truncation has been reported in an individual with breast cancer (PMID: 26187060). This sequence change deletes 2 nucleotides from exon 7 of the BRCA1 mRNA (c.456_457delCA), causing a frameshift at codon 153. This creates a premature translational stop signal (p.Ser153Cysfs*5) and is expected to result in an absent or disrupted protein product.

Laboratory for Genotyping Development, RIKEN
Classification: Pathogenic for Gastric cancer. Last evaluated: 2021-07-01. Review status: no assertion criteria provided. Collection method: research. Allele origin: germline. Not counted in ClinVar's aggregate classification.

Breast Cancer Information Core (BIC) (BRCA1)
Classification: Pathogenic for Breast-ovarian cancer, familial 1. Last evaluated: 2003-12-23. Review status: no assertion criteria provided. Collection method: clinical testing. Allele origin: germline. Affected: yes. Observed: 1 variant allele. Not counted in ClinVar's aggregate classification.

Literature cited by the submitters: PubMed 24249303 (cited by Ambry Genetics); PubMed 29348823 (cited by Ambry Genetics); PubMed 30287823 (cited by Ambry Genetics); PubMed 26187060 (cited by Labcorp Genetics (formerly Invitae), Labcorp); PubMed 36988593 (cited by Laboratory for Genotyping Development, RIKEN).

NM_007294.4(BRCA1):c.456_457del (p.Ser153fs)

Gene: BRCA1 (BRCA1 DNA repair associated; minus strand). Cytogenetic location: 17q21.31.
Variant type: Deletion.
Coding change: c.456_457del on transcript NM_007294.4 (MANE Select); coding-DNA positions 456 to 457, 2 bases deleted (CA; older notation c.456_457delCA).
Protein change: p.Ser153fs; shifts the reading frame from serine 153.
Molecular consequence: frameshift variant. On other transcripts: non-coding transcript variant (1).
Genome position (GRCh38, 1-based): chr17:43,099,865-43,099,866, TG deleted on the plus strand (CA on the coding strand, the reverse complement: BRCA1 is on the minus strand). VCF-style (leftmost placement, unchanged base first): chr17-43099864-CTG-C. GRCh37 (hg19) VCF-style: chr17-41251881-CTG-C.
Other names: 575delCA; c.243_244delCA, p.Ser82Cysfs (NM_001407571.1, NM_001407853.1, NM_001407894.1 and 18 more transcripts); c.456_457delCA, p.Ser153Cysfs (NM_001407581.1, NM_001407582.1, NM_001407583.1 and 95 more transcripts); c.453_454delCA, p.Ser152Cysfs (NM_001407587.1, NM_001407590.1, NM_001407591.1 and 65 more transcripts); c.447_448delCA, p.Ser150Cysfs (NM_001407646.1, NM_001407647.1, NM_001408408.1); c.378_379delCA, p.Ser127Cysfs (NM_001407653.1, NM_001407654.1, NM_001407655.1 and 12 more transcripts); c.375_376delCA, p.Ser126Cysfs (NM_001407659.1, NM_001407660.1, NM_001407661.1 and 6 more transcripts); c.315_316delCA, p.Ser106Cysfs (NM_001407692.1, NM_001407694.1, NM_001407695.1 and 60 more transcripts); and 7 more; short protein forms S153fs, S106fs.
Identifiers: ClinVar variation 125874 (VCV000125874.30), dbSNP rs80357882, ClinGen allele CA002905.